The following is an entry in ClinVar:

ClinVar aggregate classification (germline): Uncertain significance (1 of 4 stars; one submission).

Conditions:
Inborn genetic diseases. Identifiers: MedGen C0950123, MeSH D030342.

Submission:

Ambry Genetics
Classification: Uncertain significance for Inborn genetic diseases. Last evaluated: 2025-01-15. Review status: criteria provided, single submitter. Criteria: Ambry Variant Classification Scheme 2023. Collection method: clinical testing. Allele origin: germline.
Comment: The c.3413G>C (p.R1138T) alteration is located in exon 26 (coding exon 25) of the CHD2 gene. This alteration results from a G to C substitution at nucleotide position 3413, causing the arginine (R) at amino acid position 1138 to be replaced by a threonine (T). This change occurs in the last base pair of coding exon 25, which makes it likely to have some effect on normal mRNA splicing. This variant was not reported in population-based cohorts in the Genome Aggregation Database (gnomAD). This nucleotide position is highly conserved in available vertebrate species. This amino acid position is highly conserved in available vertebrate species. This missense alteration is located in a region that has a low rate of benign missense variation (Lek, 2016; Firth, 2009). The in silico prediction for this alteration is inconclusive. In silico splice site analysis predicts that this alteration will weaken the native splice donor site and will result in the creation or strengthening of a novel splice donor site. Based on insufficient or conflicting evidence, the clinical significance of this alteration remains unclear.

NM_001271.4(CHD2):c.3413G>C (p.Arg1138Thr)

Gene: CHD2 (chromodomain helicase DNA binding protein 2; plus strand). Cytogenetic location: 15q26.1.
Variant type: single nucleotide variant.
Coding change: c.3413G>C on transcript NM_001271.4 (MANE Select); coding-DNA position 3413, G replaced by C.
Protein change: p.Arg1138Thr; replaces arginine 1138 with threonine.
Molecular consequence: missense variant.
Genome position (GRCh38, 1-based): chr15:92,985,673, G>C. VCF-style: chr15-92985673-G-C. GRCh37 (hg19) VCF-style: chr15-93528903-G-C.
Other names: short protein forms R1138T.
Identifiers: ClinVar variation 3832775 (VCV003832775.1).